The following is an entry in ClinVar:

NM_002474.3(MYH11):c.2430G>A (p.Gln810=)

Gene: MYH11 (myosin heavy chain 11; minus strand). Cytogenetic location: 16p13.11.
Variant type: single nucleotide variant.
Coding change: c.2430G>A on transcript NM_002474.3 (MANE Select); coding-DNA position 2430, G replaced by A.
Protein change: p.Gln810=; no amino-acid change (glutamine 810 retained).
Molecular consequence: synonymous variant.
Genome position (GRCh38, 1-based): chr16:15,745,219, C>T on the plus strand (G>A on the coding strand, the complement: MYH11 is on the minus strand). VCF-style: chr16-15745219-C-T. GRCh37 (hg19) VCF-style: chr16-15839076-C-T.
Other names: c.2451G>A, p.Gln817= (NM_001040113.2, NM_001040114.2); c.2430G>A, p.Gln810= (NM_022844.3).
Identifiers: ClinVar variation 2920114 (VCV002920114.4), dbSNP rs895972545, ClinGen allele CA278630223.
Genomic context (GRCh38, chr16:15,745,219, plus strand): 5'-CCGCAGCTTGAGGTAGGCGGCGCAGTTCCTCTGAATCACCTTCATGGCGGTCAGCTGCTG[C>T]TGCCTCTTGGCAAAAGCCCTAGGGAGGGGGGAAGAGAAGGTGCGGGGGTCATGAAGCCAC-3'
Protein context (NP_002465.1, residues 800-820): YLARKAFAKR[Gln810=]QQLTAMKVIQ

ClinVar aggregate classification (germline): Likely benign. Review status: criteria provided, multiple submitters, no conflicts (2 of 4 stars). 2 submissions from 2 submitters: Likely benign (2). Last evaluated 2024-09-29.

Conditions:
Familial thoracic aortic aneurysm and aortic dissection (TAAD). Also called: Thoracic aortic aneurysms and dissections. Identifiers: Orphanet 91387, MedGen C4707243, MONDO:0019625.
Aortic aneurysm, familial thoracic 4 (AAT4). Also called: AORTIC ANEURYSM/AORTIC DISSECTION AND PATENT DUCTUS ARTERIOSUS. Identifiers: MedGen C1851504, MONDO:0007568, OMIM 132900.

Submissions (2):

Labcorp Genetics (formerly Invitae), Labcorp
Classification: Likely benign for Aortic aneurysm, familial thoracic 4. Last evaluated: 2024-09-29. Review status: criteria provided, single submitter. Criteria: Invitae Variant Classification Sherloc (09022015). Collection method: clinical testing. Allele origin: germline.

All of Us Research Program, National Institutes of Health
Classification: Likely benign for Familial thoracic aortic aneurysm and aortic dissection. Last evaluated: 2024-07-29. Review status: criteria provided, single submitter. Criteria: ACMG Guidelines, 2015. Collection method: clinical testing. Allele origin: germline. Inheritance: Autosomal dominant inheritance. Observed: 1 variant allele, 1 heterozygote.
Comment: This study involves interpretation of variants in research participants for the purpose of population health screening. Participant phenotype was not available at the time of variant classification. Additional details can be found in publication PMID: 35346344, PMCID: PMC8962531